The following is an entry in ClinVar:

NM_020778.5(ALPK3):c.297C>A (p.Ile99=)

Gene: ALPK3 (alpha kinase 3; plus strand). Cytogenetic location: 15q25.3.
Variant type: single nucleotide variant.
Coding change: c.297C>A on transcript NM_020778.5 (MANE Select); coding-DNA position 297, C replaced by A.
Protein change: p.Ile99=; no amino-acid change (isoleucine 99 retained).
Molecular consequence: synonymous variant.
Genome position (GRCh38, 1-based): chr15:84,827,598, C>A. VCF-style: chr15-84827598-C-A. GRCh37 (hg19) VCF-style: chr15-85370829-C-A.
Identifiers: ClinVar variation 391490 (VCV000391490.16), dbSNP rs770674872, ClinGen allele CA7708916.

ClinVar aggregate classification (germline): Likely benign. Review status: criteria provided, multiple submitters, no conflicts (2 of 4 stars). 5 submissions from 5 submitters: Likely benign (4). 1 of the submissions does not count toward it. Last evaluated 2025-12-08.

Conditions:
Cardiovascular phenotype. Identifiers: MedGen CN230736.
ALPK3-related disorder. Also called: ALPK3-related condition.

Allele frequency attached by ClinVar (database versions not stated): TOPMed 0.00002; gnomAD 0.00010.
gnomAD v4.1: 101 of 1,613,906 alleles (0.0063%); highest among the groups gnomAD compares: Non-Finnish European, 0.0079%; no homozygotes.

Submissions (5):

Labcorp Genetics (formerly Invitae), Labcorp
Classification: Likely benign. Last evaluated: 2025-12-08. Review status: criteria provided, single submitter. Criteria: Invitae Variant Classification Sherloc (09022015). Collection method: clinical testing. Allele origin: germline.

Blueprint Genetics
Classification: Likely benign. Last evaluated: 2024-05-13. Review status: criteria provided, single submitter. Criteria: ACMG Guidelines, 2015. Collection method: clinical testing. Allele origin: germline.

GeneDx
Classification: Likely benign. Last evaluated: 2020-02-13. Review status: criteria provided, single submitter. Criteria: GeneDx Variant Classification Process June 2021. Collection method: clinical testing. Allele origin: germline. Affected: yes.

Ambry Genetics
Classification: Likely benign for Cardiovascular phenotype. Last evaluated: 2019-05-22. Review status: criteria provided, single submitter. Criteria: Ambry Variant Classification Scheme 2023. Collection method: clinical testing. Allele origin: germline.

PreventionGenetics, part of Exact Sciences
Classification: Likely benign for ALPK3-related condition. Last evaluated: 2020-09-18. Review status: no assertion criteria provided. Collection method: clinical testing. Allele origin: germline. Not counted in ClinVar's aggregate classification.
Comment: This variant is classified as likely benign based on ACMG/AMP sequence variant interpretation guidelines (Richards et al. 2015 PMID: 25741868, with internal and published modifications).